The following is an entry in ClinVar:

NM_001267550.2(TTN):c.103742C>G (p.Pro34581Arg)

Genes: TTN-AS1 (TTN antisense RNA 1; plus strand), TTN (titin; minus strand). Cytogenetic location: 2q31.2.
Variant type: single nucleotide variant.
Coding change: c.103742C>G on transcript NM_001267550.2 (MANE Select); coding-DNA position 103742, C replaced by G.
Protein change: p.Pro34581Arg; replaces proline 34581 with arginine.
Molecular consequence: missense variant.
Genome position (GRCh38, 1-based): chr2:178,532,873, G>C on the plus strand (C>G on the coding strand, the complement: TTN is on the minus strand). VCF-style: chr2-178532873-G-C. GRCh37 (hg19) VCF-style: chr2-179397600-G-C.
Other names: c.98819C>G, p.Pro32940Arg (NM_001256850.1); c.76547C>G, p.Pro25516Arg (NM_003319.4); c.96038C>G, p.Pro32013Arg (NM_133378.4); c.76922C>G, p.Pro25641Arg (NM_133432.3); c.77123C>G, p.Pro25708Arg (NM_133437.4); short protein forms P32013R, P32940R, P25708R, P25516R, P25641R, P34581R.
Identifiers: ClinVar variation 1349229 (VCV001349229.6), dbSNP rs1357155692, ClinGen allele CA349413601.

ClinVar aggregate classification (germline): Uncertain significance (1 of 4 stars; one submission).

Conditions:
Dilated cardiomyopathy 1G (CMD1G). Identifiers: Orphanet 154, MedGen C1858763, MONDO:0011400, OMIM 604145.
Autosomal recessive limb-girdle muscular dystrophy type 2J (LGMDR10). Also called: Limb-girdle muscular dystrophy, type 2J; MUSCULAR DYSTROPHY, LIMB-GIRDLE, AUTOSOMAL RECESSIVE 10. Identifiers: Orphanet 140922, MedGen C1837342, MONDO:0012127, OMIM 608807.

Allele frequency attached by ClinVar (database versions not stated): gnomAD exomes below 0.00001; TOPMed 0.00001.
gnomAD v4.1: 1 of 1,613,902 alleles (0.000062%); highest among the groups gnomAD compares: Admixed American, 0.0017%; no homozygotes.

Submission:

Labcorp Genetics (formerly Invitae), Labcorp
Classification: Uncertain significance for Dilated cardiomyopathy 1G; Autosomal recessive limb-girdle muscular dystrophy type 2J. Last evaluated: 2021-08-17. Review status: criteria provided, single submitter. Criteria: Invitae Variant Classification Sherloc (09022015). Collection method: clinical testing. Allele origin: germline.
Comment: This variant is not present in population databases (ExAC no frequency). This variant is located in the M band of TTN (PMID: 25589632). Variants in this region may be relevant for neuromuscular disorders, but have not been definitively shown to cause cardiomyopathy (PMID: 23975875). In summary, the available evidence is currently insufficient to determine the role of this variant in disease. Therefore, it has been classified as a Variant of Uncertain Significance. Experimental studies and prediction algorithms are not available or were not evaluated, and the functional significance of this variant is currently unknown. This variant has not been reported in the literature in individuals affected with TTN-related conditions. This sequence change replaces proline with arginine at codon 34581 of the TTN protein (p.Pro34581Arg). There is a moderate physicochemical difference between proline and arginine.

Literature cited by the submitters: PubMed 25589632; PubMed 23975875.